The following is an entry in ClinVar:

ClinVar aggregate classification (germline): Uncertain significance. Review status: criteria provided, multiple submitters, no conflicts (2 of 4 stars). 3 submissions from 3 submitters: Uncertain significance (3). Last evaluated 2025-09-02.

Conditions:
Inborn genetic diseases. Identifiers: MedGen C0950123, MeSH D030342.

Allele frequency attached by ClinVar (database versions not stated): TOPMed below 0.00001; gnomAD 0.00001; gnomAD exomes 0.00002.
gnomAD v4.1: 40 of 1,197,739 alleles (0.0033%); highest among the groups gnomAD compares: Non-Finnish European, 0.0042%; no homozygotes.

Submissions (3):

Labcorp Genetics (formerly Invitae), Labcorp
Classification: Uncertain significance. Last evaluated: 2025-09-02. Review status: criteria provided, single submitter. Criteria: Invitae Variant Classification Sherloc (09022015). Collection method: clinical testing. Allele origin: germline.
Comment: This sequence change replaces glycine, which is neutral and non-polar, with aspartic acid, which is acidic and polar, at codon 604 of the CACNA1F protein (p.Gly604Asp). This variant is present in population databases (no rsID available, gnomAD 0.004%). This variant has not been reported in the literature in individuals affected with CACNA1F-related conditions. ClinVar contains an entry for this variant (Variation ID: 839527). Invitae Evidence Modeling of protein sequence and biophysical properties (such as structural, functional, and spatial information, amino acid conservation, physicochemical variation, residue mobility, and thermodynamic stability) indicates that this missense variant is expected to disrupt CACNA1F protein function with a positive predictive value of 80%. In summary, the available evidence is currently insufficient to determine the role of this variant in disease. Therefore, it has been classified as a Variant of Uncertain Significance.

Blueprint Genetics
Classification: Uncertain significance. Last evaluated: 2022-10-27. Review status: criteria provided, single submitter. Criteria: ACMG Guidelines, 2015. Collection method: clinical testing. Allele origin: germline.

Ambry Genetics
Classification: Uncertain significance for Inborn genetic diseases. Last evaluated: 2021-09-14. Review status: criteria provided, single submitter. Criteria: Ambry Variant Classification Scheme 2023. Collection method: clinical testing. Allele origin: germline.

NM_001256789.3(CACNA1F):c.1778G>A (p.Gly593Asp)

Gene: CACNA1F (calcium voltage-gated channel subunit alpha1 F; minus strand). Cytogenetic location: Xp11.23.
Variant type: single nucleotide variant.
Coding change: c.1778G>A on transcript NM_001256789.3 (MANE Select); coding-DNA position 1778, G replaced by A.
Protein change: p.Gly593Asp; replaces glycine 593 with aspartic acid.
Molecular consequence: missense variant.
Genome position (GRCh38, 1-based): chrX:49,224,860, C>T on the plus strand (G>A on the coding strand, the complement: CACNA1F is on the minus strand). VCF-style: chrX-49224860-C-T. GRCh37 (hg19) VCF-style: chrX-49081322-C-T.
Other names: c.1616G>A, p.Gly539Asp (NM_001256790.3); c.1811G>A, p.Gly604Asp (NM_005183.4); c.1811G>A (NM_005183.2); short protein forms G539D, G593D, G604D.
Identifiers: ClinVar variation 839527 (VCV000839527.14), dbSNP rs1557109497, ClinGen allele CA412914795.